The following is an entry in ClinVar:

ClinVar aggregate classification (germline): Uncertain significance. Review status: criteria provided, multiple submitters, no conflicts (2 of 4 stars). 5 submissions from 5 submitters: Uncertain significance (5). Last evaluated 2026-04-02.

Conditions:
Cardiovascular phenotype. Identifiers: MedGen CN230736.
Catecholaminergic polymorphic ventricular tachycardia 1. Also called: VENTRICULAR TACHYCARDIA, CATECHOLAMINERGIC POLYMORPHIC, 1, WITH OR WITHOUT ATRIAL DYSFUNCTION AND/OR DILATED CARDIOMYOPATHY; RYR2-Related Catecholaminergic Polymorphic Ventricular Tachycardia; VENTRICULAR TACHYCARDIA, STRESS-INDUCED POLYMORPHIC 1. Identifiers: Orphanet 3286, MedGen C1631597, MONDO:0011484, OMIM 604772.
Cardiomyopathy (CMYO). Also called: Cardiomyopathies. Identifiers: Orphanet 167848, MedGen C0878544, MONDO:0004994, HP:0001638. Inheritance: Various modes of inheritance.

Allele frequency attached by ClinVar (database versions not stated): gnomAD exomes below 0.00001; TOPMed below 0.00001.
gnomAD v4.1: 3 of 1,613,980 alleles (0.00019%); highest among the groups gnomAD compares: Non-Finnish European, 0.00017%; no homozygotes.

Submissions (5):

Women's Health and Genetics/Laboratory Corporation of America, LabCorp
Classification: Uncertain significance. Last evaluated: 2026-04-02. Review status: criteria provided, single submitter. Criteria: LabCorp Variant Classification Summary - May 2015. Collection method: clinical testing. Allele origin: germline.

Color Diagnostics, LLC DBA Color Health
Classification: Uncertain significance for Cardiomyopathy. Last evaluated: 2025-11-24. Review status: criteria provided, single submitter. Criteria: ACMG Guidelines, 2015. Collection method: clinical testing. Allele origin: germline.
Comment: This missense variant replaces methionine with isoleucine at codon 4109 of the RYR2 protein. Computational prediction is inconclusive regarding the impact of this variant on protein structure and function. To our knowledge, functional studies have not been reported for this variant. This variant has not been reported in individuals affected with RYR2-related disorders in the literature. This variant has not been identified in the general population by the Genome Aggregation Database (gnomAD). The available evidence is insufficient to determine the role of this variant in disease conclusively. Therefore, this variant is classified as a Variant of Uncertain Significance.

Ambry Genetics
Classification: Uncertain significance for Cardiovascular phenotype. Last evaluated: 2024-07-31. Review status: criteria provided, single submitter. Criteria: Ambry Variant Classification Scheme 2023. Collection method: clinical testing. Allele origin: germline.
Comment: The p.M4109I variant (also known as c.12327G>T), located in coding exon 90 of the RYR2 gene, results from a G to T substitution at nucleotide position 12327. The methionine at codon 4109 is replaced by isoleucine, an amino acid with highly similar properties. This amino acid position is highly conserved in available vertebrate species. In addition, this alteration is predicted to be deleterious by in silico analysis. Based on the available evidence, the clinical significance of this variant remains unclear.

GeneDx
Classification: Uncertain significance. Last evaluated: 2024-05-08. Review status: criteria provided, single submitter. Criteria: GeneDx Variant Classification Process June 2021. Collection method: clinical testing. Allele origin: germline.
Comment: Has not been previously published as pathogenic or benign to our knowledge; Not observed at significant frequency in large population cohorts (gnomAD); In silico analysis supports that this missense variant does not alter protein structure/function; Located in one of the three hot-spot regions of the RYR2 gene, where the majority of pathogenic missense variants occur (PMID: 19926015); This variant is associated with the following publications: (PMID: 19926015)

Labcorp Genetics (formerly Invitae), Labcorp
Classification: Uncertain significance for Catecholaminergic polymorphic ventricular tachycardia 1. Last evaluated: 2023-07-14. Review status: criteria provided, single submitter. Criteria: Invitae Variant Classification Sherloc (09022015). Collection method: clinical testing. Allele origin: germline.
Comment: ClinVar contains an entry for this variant (Variation ID: 2029125). Advanced modeling of protein sequence and biophysical properties (such as structural, functional, and spatial information, amino acid conservation, physicochemical variation, residue mobility, and thermodynamic stability) has been performed at Invitae for this missense variant, however the output from this modeling did not meet the statistical confidence thresholds required to predict the impact of this variant on RYR2 protein function. In summary, the available evidence is currently insufficient to determine the role of this variant in disease. Therefore, it has been classified as a Variant of Uncertain Significance. This variant has not been reported in the literature in individuals affected with RYR2-related conditions. This sequence change replaces methionine, which is neutral and non-polar, with isoleucine, which is neutral and non-polar, at codon 4109 of the RYR2 protein (p.Met4109Ile). This variant is not present in population databases (gnomAD no frequency).

NM_001035.3(RYR2):c.12327G>T (p.Met4109Ile)

Gene: RYR2 (ryanodine receptor 2; plus strand). Cytogenetic location: 1q43.
Variant type: single nucleotide variant.
Coding change: c.12327G>T on transcript NM_001035.3 (MANE Select); coding-DNA position 12327, G replaced by T.
Protein change: p.Met4109Ile; replaces methionine 4109 with isoleucine.
Molecular consequence: missense variant.
Genome position (GRCh38, 1-based): chr1:237,784,039, G>T. VCF-style: chr1-237784039-G-T. GRCh37 (hg19) VCF-style: chr1-237947339-G-T.
Other names: c.12327G>T (NM_001035.2); short protein forms M4109I.
Identifiers: ClinVar variation 2029125 (VCV002029125.9), dbSNP rs1465872180, ClinGen allele CA345412974.